The following is an entry in ClinVar:

NM_001378454.1(ALMS1):c.9633G>T (p.Lys3211Asn)

Gene: ALMS1 (ALMS1 centrosome and basal body associated protein; plus strand). Cytogenetic location: 2p13.1.
Variant type: single nucleotide variant.
Coding change: c.9633G>T on transcript NM_001378454.1 (MANE Select); coding-DNA position 9633, G replaced by T.
Protein change: p.Lys3211Asn; replaces lysine 3211 with asparagine.
Molecular consequence: missense variant.
Genome position (GRCh38, 1-based): chr2:73,519,868, G>T. VCF-style: chr2-73519868-G-T. GRCh37 (hg19) VCF-style: chr2-73746995-G-T.
Other names: c.9636G>T, p.Lys3212Asn (NM_015120.4); short protein forms K3211N, K3212N.
Identifiers: ClinVar variation 1410370 (VCV001410370.4), dbSNP rs373013570, ClinGen allele CA347281143.

ClinVar aggregate classification (germline): Uncertain significance. Review status: criteria provided, multiple submitters, no conflicts (2 of 4 stars). 2 submissions from 2 submitters: Uncertain significance (2). Last evaluated 2023-01-31.

Conditions:
Alstrom syndrome (ALMS). Identifiers: Orphanet 64, MedGen C0268425, MONDO:0008763, OMIM 203800.

gnomAD v4.1: 1 of 1,614,046 alleles (0.000062%); no homozygotes.

Submissions (2):

GeneDx
Classification: Uncertain significance. Last evaluated: 2023-01-31. Review status: criteria provided, single submitter. Criteria: GeneDx Variant Classification Process June 2021. Collection method: clinical testing. Allele origin: germline. Affected: yes.
Comment: Has not been previously published as pathogenic or benign to our knowledge; Not observed at significant frequency in large population cohorts (gnomAD); In silico analysis supports that this missense variant has a deleterious effect on protein structure/function

Labcorp Genetics (formerly Invitae), Labcorp
Classification: Uncertain significance for Alstrom syndrome. Last evaluated: 2021-11-03. Review status: criteria provided, single submitter. Criteria: Invitae Variant Classification Sherloc (09022015). Collection method: clinical testing. Allele origin: germline.
Comment: This sequence change replaces lysine with asparagine at codon 3212 of the ALMS1 protein (p.Lys3212Asn). The lysine residue is highly conserved and there is a moderate physicochemical difference between lysine and asparagine. This variant is not present in population databases (gnomAD no frequency). This variant has not been reported in the literature in individuals affected with ALMS1-related conditions. Experimental studies and prediction algorithms are not available or were not evaluated, and the functional significance of this variant is currently unknown. In summary, the available evidence is currently insufficient to determine the role of this variant in disease. Therefore, it has been classified as a Variant of Uncertain Significance.